The following is an entry in ClinVar:

NM_015978.3(TNNI3K):c.149+6G>A

Genes: FPGT-TNNI3K (FPGT-TNNI3K readthrough; plus strand), TNNI3K (TNNI3 interacting kinase; plus strand). Cytogenetic location: 1p31.1.
Variant type: single nucleotide variant.
Coding change: c.149+6G>A on transcript NM_015978.3 (MANE Select); 6 bases into the intron after coding-DNA position 149, G replaced by A.
Molecular consequence: intron variant.
Genome position (GRCh38, 1-based): chr1:74,236,216, G>A. VCF-style: chr1-74236216-G-A. GRCh37 (hg19) VCF-style: chr1-74701900-G-A.
Other names: c.452+6G>A (NM_001112808.3, NM_001199327.2).
Identifiers: ClinVar variation 4720459 (VCV004720459.1).

ClinVar aggregate classification (germline): Uncertain significance (1 of 4 stars; one submission).

Submission:

Labcorp Genetics (formerly Invitae), Labcorp
Classification: Uncertain significance. Last evaluated: 2025-05-30. Review status: criteria provided, single submitter. Criteria: Invitae Variant Classification Sherloc (09022015). Collection method: clinical testing. Allele origin: germline.
Comment: This sequence change falls in intron 2 of the TNNI3K gene. It does not directly change the encoded amino acid sequence of the TNNI3K protein. It affects a nucleotide within the consensus splice site. This variant is not present in population databases (gnomAD no frequency). This variant has not been reported in the literature in individuals affected with TNNI3K-related conditions. Variants that disrupt the consensus splice site are a relatively common cause of aberrant splicing (PMID: 17576681, 9536098). Algorithms developed to predict the effect of sequence changes on RNA splicing suggest that this variant may disrupt the consensus splice site. In summary, the available evidence is currently insufficient to determine the role of this variant in disease. Therefore, it has been classified as a Variant of Uncertain Significance.

Literature cited by the submitters: PubMed 17576681; PubMed 9536098.